The following is an entry in ClinVar:

ClinVar aggregate classification (germline): Conflicting classifications of pathogenicity. Review status: criteria provided, conflicting classifications (1 of 4 stars). 6 submissions from 6 submitters: Uncertain significance (1); Benign (2); Likely benign (3). Last evaluated 2026-01-28.

Conditions:
Hypotonia, infantile, with psychomotor retardation and characteristic facies 2 (IHPRF2). Also called: UNC80 Deficiency. Identifiers: Orphanet 371364, Orphanet 700333, MedGen C4225203, MONDO:0014777, OMIM 616801.

Allele frequency attached by ClinVar (database versions not stated): gnomAD exomes 0.00016 and 0.00032; ExAC 0.00070; gnomAD 0.00128 and 0.00141; TOPMed 0.00152; 1000 Genomes Project 30x 0.00156; ESP Exome Variant Server 0.00175; 1000 Genomes Project 0.00180.
gnomAD v4.1: 435 of 1,552,138 alleles (0.028%); highest among the groups gnomAD compares: African/African-American, 0.41%; no homozygotes.

Submissions (6):

Labcorp Genetics (formerly Invitae), Labcorp
Classification: Benign. Last evaluated: 2026-01-28. Review status: criteria provided, single submitter. Criteria: Invitae Variant Classification Sherloc (09022015). Collection method: clinical testing. Allele origin: germline.

CeGaT Center for Human Genetics Tuebingen
Classification: Likely benign. Last evaluated: 2025-07-01. Review status: criteria provided, single submitter. Criteria: CeGaT Center For Human Genetics Tuebingen Variant Classification Criteria Version 2. Collection method: clinical testing. Allele origin: germline. Affected: yes. Observed: 2 variant alleles.
Comment: UNC80: BP4, BP7

ARUP Laboratories, Molecular Genetics and Genomics, ARUP Laboratories
Classification: Benign for Hypotonia, infantile, with psychomotor retardation and characteristic facies 2. Last evaluated: 2024-11-14. Review status: criteria provided, single submitter. Criteria: ARUP Molecular Germline Variant Investigation Process 2024. Collection method: clinical testing. Allele origin: germline.

Blueprint Genetics
Classification: Likely benign. Last evaluated: 2024-09-05. Review status: criteria provided, single submitter. Criteria: ACMG Guidelines, 2015. Collection method: clinical testing. Allele origin: germline.

Women's Health and Genetics/Laboratory Corporation of America, LabCorp
Classification: Likely benign. Last evaluated: 2024-01-22. Review status: criteria provided, single submitter. Criteria: LabCorp Variant Classification Summary - May 2015. Collection method: clinical testing. Allele origin: germline.

CENTOGENE GmbH and LLC - Guiding Precision Medicine
Classification: Uncertain significance for Hypotonia, infantile, with psychomotor retardation and characteristic facies 2. Last evaluated: 2019-05-28. Review status: criteria provided, single submitter. Criteria: ACMG Guidelines, 2015. Collection method: clinical testing. Allele origin: germline. Affected: yes.

NM_001371986.1(UNC80):c.1818G>A (p.Pro606=)

Gene: UNC80 (unc-80 subunit of NALCN channel complex; plus strand). Cytogenetic location: 2q34.
Variant type: single nucleotide variant.
Coding change: c.1818G>A on transcript NM_001371986.1 (MANE Select); coding-DNA position 1818, G replaced by A.
Protein change: p.Pro606=; no amino-acid change (proline 606 retained).
Molecular consequence: synonymous variant.
Genome position (GRCh38, 1-based): chr2:209,819,117, G>A. VCF-style: chr2-209819117-G-A. GRCh37 (hg19) VCF-style: chr2-210683841-G-A.
Other names: c.1818G>A, p.Pro606= (NM_032504.2, NM_182587.4).
Identifiers: ClinVar variation 738185 (VCV000738185.37), dbSNP rs61742726, ClinGen allele CA2082973.